The following is an entry in ClinVar:

ClinVar aggregate classification (germline): Likely benign (0 of 4 stars; one submission).

Conditions:
SH2B1-related disorder. Also called: SH2B1-related condition.

Submission:

PreventionGenetics, part of Exact Sciences
Classification: Likely benign for SH2B1-related condition. Last evaluated: 2021-08-16. Review status: no assertion criteria provided. Collection method: clinical testing. Allele origin: germline.
Comment: This variant is classified as likely benign based on ACMG/AMP sequence variant interpretation guidelines (Richards et al. 2015 PMID: 25741868, with internal and published modifications).

NM_001387430.1(SH2B1):c.69C>A (p.Pro23=)

Gene: SH2B1 (SH2B adaptor protein 1; plus strand). Cytogenetic location: 16p11.2.
Variant type: single nucleotide variant.
Coding change: c.69C>A on transcript NM_001387430.1 (MANE Select); coding-DNA position 69, C replaced by A.
Protein change: p.Pro23=; no amino-acid change (proline 23 retained).
Molecular consequence: synonymous variant. On other transcripts: intron variant (1).
Genome position (GRCh38, 1-based): chr16:28,866,163, C>A. VCF-style: chr16-28866163-C-A. GRCh37 (hg19) VCF-style: chr16-28877484-C-A.
Other names: c.69C>A, p.Pro23= (NM_001145795.2, NM_001145796.2, NM_001145797.2 and 4 more transcripts); c.-26-1211C>A (NM_001308294.2).
Identifiers: ClinVar variation 3035853 (VCV003035853.2), dbSNP rs2544866925, ClinGen allele CA494486615.